The following is an entry in ClinVar:

NM_006393.3(NEBL):c.1513A>G (p.Thr505Ala)

Gene: NEBL (nebulette; minus strand). Cytogenetic location: 10p12.31.
Variant type: single nucleotide variant.
Coding change: c.1513A>G on transcript NM_006393.3 (MANE Select); coding-DNA position 1513, A replaced by G.
Protein change: p.Thr505Ala; replaces threonine 505 with alanine.
Molecular consequence: missense variant. On other transcripts: intron variant (9).
Genome position (GRCh38, 1-based): chr10:20,831,520, T>C on the plus strand (A>G on the coding strand, the complement: NEBL is on the minus strand). VCF-style: chr10-20831520-T-C. GRCh37 (hg19) VCF-style: chr10-21120449-T-C.
Other names: c.250-18580A>G (NM_001377326.1, NM_001377327.1, NM_001377328.1); c.358-18580A>G (NM_213569.2, NM_001173484.2, NM_001377322.1); c.301-18580A>G (NM_001377324.1); c.292-18580A>G (NM_001377325.1); c.310-18580A>G (NM_001377323.1); short protein forms T505A.
Identifiers: ClinVar variation 3673949 (VCV003673949.2).
Genomic context (GRCh38, chr10:20,831,520, plus strand): 5'-GCTGCTGTCTTACCTGGCTGGCCATCTCGGATGCTTTCTTAGCTCTCTGGACATCAAGAG[T>C]GTCTGTGCTCACCTGCATCCCTTTCCCTTTAATTTCAGTCTCCAGATCTCTTTTATAGTC-3'
Protein context (NP_006384.1, residues 495-515): KGKGMQVSTD[Thr505Ala]LDVQRAKKAS

ClinVar aggregate classification (germline): Uncertain significance (1 of 4 stars; one submission).

Conditions:
Primary dilated cardiomyopathy (DCM). Also called: Dilated Cardiomyopathy. Identifiers: Orphanet 217604, MedGen C0007193, MeSH D002311, MONDO:0005021, HP:0001644. Inheritance: Various modes of inheritance.

Submission:

Labcorp Genetics (formerly Invitae), Labcorp
Classification: Uncertain significance for Primary dilated cardiomyopathy. Last evaluated: 2025-01-27. Review status: criteria provided, single submitter. Criteria: Invitae Variant Classification Sherloc (09022015). Collection method: clinical testing. Allele origin: germline.
Comment: This sequence change replaces threonine, which is neutral and polar, with alanine, which is neutral and non-polar, at codon 505 of the NEBL protein (p.Thr505Ala). This variant is not present in population databases (gnomAD no frequency). This variant has not been reported in the literature in individuals affected with NEBL-related conditions. An algorithm developed to predict the effect of missense changes on protein structure and function (PolyPhen-2) suggests that this variant is likely to be tolerated. In summary, the available evidence is currently insufficient to determine the role of this variant in disease. Therefore, it has been classified as a Variant of Uncertain Significance.